The following is an entry in ClinVar:

ClinVar aggregate classification (germline): Uncertain significance (1 of 4 stars; one submission).

Conditions:
Familial intrahepatic cholestasis. Identifiers: Orphanet 284385, MedGen CN296401, MONDO:0017290.

Submission:

Genomenon, Inc
Classification: Uncertain significance for Familial intrahepatic cholestasis. Last evaluated: 2026-04-14. Review status: criteria provided, single submitter. Criteria: Genomenon Sequence Variant Interpretation Standards - Updated. Collection method: curation. Allele origin: germline. Affected: yes.
Comment: ABCB4 p.Val399Leu (c.1195G>C) is a missense variant that changes the amino acid at residue 399 from Valine to Leucine. This variant has been observed in at least one proband with an ABCB4-related disorder (PMID:38610052;32626542). Functional studies have been reported (PMID:32626542). It is absent or not present at a significant frequency in gnomAD. In conclusion, we classify ABCB4 p.Val399Leu (c.1195G>C) as a variant of uncertain significance.

Literature cited by the submitters: PubMed 38610052; PubMed 32626542.

NM_000443.4(ABCB4):c.1195G>C (p.Val399Leu)

Gene: ABCB4 (ATP binding cassette subfamily B member 4; minus strand). Cytogenetic location: 7q21.12.
Variant type: single nucleotide variant.
Coding change: c.1195G>C on transcript NM_000443.4 (MANE Select); coding-DNA position 1195, G replaced by C.
Protein change: p.Val399Leu; replaces valine 399 with leucine.
Molecular consequence: missense variant.
Genome position (GRCh38, 1-based): chr7:87,443,698, C>G on the plus strand (G>C on the coding strand, the complement: ABCB4 is on the minus strand). VCF-style: chr7-87443698-C-G. GRCh37 (hg19) VCF-style: chr7-87073014-C-G.
Other names: c.1195G>C, p.Val399Leu (NM_018849.3, NM_018850.3); short protein forms V399L.
Identifiers: ClinVar variation 4846658 (VCV004846658.1).